The following is an entry in ClinVar:

NC_000004.12:g.35148038_35149615del

Variant type: Deletion.
Genome position: GRCh38: chr4:35,148,038-35,149,615. GRCh37 (hg19): chr4:35,149,660-35,151,237.
Identifiers: ClinVar variation 156913 (VCV000156913.3), ClinGen allele CA212073.

ClinVar aggregate classification (germline): not provided (0 of 4 stars; one submission).

Conditions:
Small for gestational age. Also called: Low birth weight. Identifiers: MedGen C0235991, HP:0001518.

Submission:

Institute of Molecular and Cell Biology, University of Tartu
No classification provided. Condition: Small for gestational age. Review status: no classification provided. Collection method: case-control. Allele origin: unknown. Affected: yes. Study: Kasak2014.
Comment: The study aimed to determine the contribution of copy number variants in the genetic etiology of normal and complicated pregnancies. The samples represented (i) maternal blood DNA drawn from healthy pregnant women during 1st or 2nd trimester and (ii) maternal and paternal blood DNA drawn at term pregnancy cases representing normal and complicated gestations (severe preeclampsia, PE; gestational diabetes, GD; small-for-gestational age newborn, SGA; large-for-gestational age newborn, LGA). We performed CNV calling based on genome-wide genotyping dataset (Illumina HumanOmniExpress-24-v1 BeadChip) by applying three algorithms, QuantiSNP, GADA (Genome Alteration Detection Algorithm) and CNstream in parallel. The acquired CNV calls were merged with HD-CNV (Hotspot Detector for Copy Number Variants) program and only the CNVs predicted by at least two programs, were considered in subsequent analysis.

Literature cited by the submitters: PubMed 25666259.